The following is an entry in ClinVar:

ClinVar aggregate classification (germline): Uncertain significance. Review status: criteria provided, multiple submitters, no conflicts (2 of 4 stars). 2 submissions from 2 submitters: Uncertain significance (2). Last evaluated 2025-02-03.

Conditions:
Hereditary cancer-predisposing syndrome. Also called: Hereditary neoplastic syndrome; Neoplastic Syndromes, Hereditary; Tumor predisposition; Hereditary Cancer Syndrome. Identifiers: Orphanet 140162, MedGen C0027672, MeSH D009386, MONDO:0015356.
Microcephaly, normal intelligence and immunodeficiency (NBS). Also called: Nijmegen breakage syndrome; Microcephaly with normal intelligence immunodeficiency and lymphoreticular malignancies; Nonsyndromal microcephaly autosomal recessive with normal intelligence; Seemanova syndrome 2; Ataxia telangiectasia variant V1; SEEMANOVA SYNDROME II. Identifiers: Orphanet 647, MedGen C0398791, MONDO:0009623, OMIM 251260.

Allele frequency attached by ClinVar (database versions not stated): TOPMed below 0.00001.

Submissions (2):

Ambry Genetics
Classification: Uncertain significance for Hereditary cancer-predisposing syndrome. Last evaluated: 2025-02-03. Review status: criteria provided, single submitter. Criteria: Ambry Variant Classification Scheme 2023. Collection method: clinical testing. Allele origin: germline.
Comment: The p.S330N variant (also known as c.989G>A), located in coding exon 8 of the NBN gene, results from a G to A substitution at nucleotide position 989. The serine at codon 330 is replaced by asparagine, an amino acid with highly similar properties. This amino acid position is conserved. In addition, this alteration is predicted to be tolerated by in silico analysis. Since supporting evidence is limited at this time, the clinical significance of this alteration remains unclear.

Labcorp Genetics (formerly Invitae), Labcorp
Classification: Uncertain significance for Microcephaly, normal intelligence and immunodeficiency. Last evaluated: 2023-09-01. Review status: criteria provided, single submitter. Criteria: Invitae Variant Classification Sherloc (09022015). Collection method: clinical testing. Allele origin: germline.
Comment: Algorithms developed to predict the effect of missense changes on protein structure and function output the following: SIFT: "Not Available"; PolyPhen-2: "Benign"; Align-GVGD: "Not Available". The asparagine amino acid residue is found in multiple mammalian species, which suggests that this missense change does not adversely affect protein function. In summary, the available evidence is currently insufficient to determine the role of this variant in disease. Therefore, it has been classified as a Variant of Uncertain Significance. ClinVar contains an entry for this variant (Variation ID: 1043037). This sequence change replaces serine, which is neutral and polar, with asparagine, which is neutral and polar, at codon 330 of the NBN protein (p.Ser330Asn). This variant is not present in population databases (gnomAD no frequency). This variant has not been reported in the literature in individuals affected with NBN-related conditions.

NM_002485.5(NBN):c.989G>A (p.Ser330Asn)

Gene: NBN (nibrin; minus strand). Cytogenetic location: 8q21.3.
Variant type: single nucleotide variant.
Coding change: c.989G>A on transcript NM_002485.5 (MANE Select); coding-DNA position 989, G replaced by A.
Protein change: p.Ser330Asn; replaces serine 330 with asparagine.
Molecular consequence: missense variant.
Genome position (GRCh38, 1-based): chr8:89,964,415, C>T on the plus strand (G>A on the coding strand, the complement: NBN is on the minus strand). VCF-style: chr8-89964415-C-T. GRCh37 (hg19) VCF-style: chr8-90976643-C-T.
Other names: c.743G>A, p.Ser248Asn (NM_001024688.3); short protein forms S330N, S248N.
Identifiers: ClinVar variation 1043037 (VCV001043037.12), dbSNP rs1811142330, ClinGen allele CA371656848.